The following is an entry in ClinVar:

NM_000552.5(VWF):c.1596C>T (p.Gly532=)

Gene: VWF (von Willebrand factor; minus strand). Cytogenetic location: 12p13.31.
Variant type: single nucleotide variant.
Coding change: c.1596C>T on transcript NM_000552.5 (MANE Select); coding-DNA position 1596, C replaced by T.
Protein change: p.Gly532=; no amino-acid change (glycine 532 retained).
Molecular consequence: synonymous variant.
Genome position (GRCh38, 1-based): chr12:6,057,982, G>A on the plus strand (C>T on the coding strand, the complement: VWF is on the minus strand). VCF-style: chr12-6057982-G-A. GRCh37 (hg19) VCF-style: chr12-6167148-G-A.
Other names: p.Gly532=; NM_000552.5(VWF):c.1596C>T.
Identifiers: ClinVar variation 310084 (VCV000310084.40), dbSNP rs111240043, ClinGen allele CA6403333.

ClinVar aggregate classification (germline): Likely benign. Review status: reviewed by expert panel (3 of 4 stars). 7 submissions from 7 submitters: Likely benign (1). 6 of the submissions do not count toward it. Last evaluated 2026-03-03.

Conditions:
VWF-related disorder. Also called: VWF-related disorders; VWF-related condition.
Hereditary von Willebrand disease. Identifiers: Orphanet 903, MedGen C5703318, MONDO:0019565. Inheritance: Autosomal recessive or Autosomal dominant.

Allele frequency attached by ClinVar (database versions not stated): 1000 Genomes Project 30x 0.00234; gnomAD 0.00240 and 0.00251; TOPMed 0.00242; ESP Exome Variant Server 0.00246; 1000 Genomes Project 0.00280.
gnomAD v4.1: 892 of 1,613,606 alleles (0.055%); highest among the groups gnomAD compares: African/African-American, 0.77%; 4 homozygotes.

Submissions (8):

ClinGen von Willebrand Disease Variant Curation Expert Panel, ClinGen
Classification: Likely benign for Hereditary von Willebrand disease. Last evaluated: 2026-03-03. Review status: reviewed by expert panel. Criteria: ClinGen VWD 2A B M Rules. Collection method: curation. Allele origin: germline.
Comment: The NM_000552.5:c.1596C>T (p.Gly532=) variant is a synonymous variant that is not predicted by SpliceAI to impact splicing. In addition, it occurs at a nucleotide that is not conserved as shown by phyloP score of -2.52 (BP4 & BP7). The Grpmax filtering allele frequency in gnomAD v4.1 is 0.007206 (based on 580/75066 alleles in the African/African American population, with 4 homozygotes). This intermediate allele frequency is lower than the ClinGen VWD VCEP threshold (>0.01) for BS1 but higher than the threshold (<0.0001 for type 2) for PM2_Supporting. In summary, this variant meets the criteria to be classified as likely benign for hereditary von Willebrand disease based on the ACMG/AMP criteria applied, as specified by the ClinGen VWD VCEP: BP4, BP7 (ClinGen von Willebrand Disease Expert Panel Specifications to the ACMG/AMP Variant Interpretation Guidelines for VWF Version 1.0.0)

Quest Diagnostics Nichols Institute San Juan Capistrano
Classification: Likely benign. Last evaluated: 2025-04-17. Review status: criteria provided, single submitter. Criteria: Quest Diagnostics criteria. Collection method: clinical testing. Allele origin: unknown. Not counted in ClinVar's aggregate classification.

Mayo Clinic Laboratories, Mayo Clinic
Classification: Likely benign. Last evaluated: 2025-02-06. Review status: criteria provided, single submitter. Criteria: ACMG Guidelines, 2015. Collection method: clinical testing. Allele origin: germline. Observed: 1 variant allele. Not counted in ClinVar's aggregate classification.
Comment: BS1, BP4, BP7

ARUP Laboratories, Molecular Genetics and Genomics, ARUP Laboratories
Classification: Likely benign. Last evaluated: 2024-12-11. Review status: criteria provided, single submitter. Criteria: ARUP Molecular Germline Variant Investigation Process 2024. Collection method: clinical testing. Allele origin: germline. Not counted in ClinVar's aggregate classification.

Blueprint Genetics
Classification: Likely benign. Last evaluated: 2024-09-24. Review status: criteria provided, single submitter. Criteria: ACMG Guidelines, 2015. Collection method: clinical testing. Allele origin: germline. Not counted in ClinVar's aggregate classification.

CeGaT Center for Human Genetics Tuebingen
Classification: Likely benign. Last evaluated: 2022-09-01. Review status: criteria provided, single submitter. Criteria: CeGaT Center For Human Genetics Tuebingen Variant Classification Criteria Version 2. Collection method: clinical testing. Allele origin: germline. Affected: yes. Observed: 1 variant allele. Not counted in ClinVar's aggregate classification.
Comment: VWF: BP4, BP7

PreventionGenetics, part of Exact Sciences
Classification: Benign for VWF-related condition. Last evaluated: 2019-05-02. Review status: no assertion criteria provided. Collection method: clinical testing. Allele origin: germline. Not counted in ClinVar's aggregate classification.
Comment: This variant is classified as benign based on ACMG/AMP sequence variant interpretation guidelines (Richards et al. 2015 PMID: 25741868, with internal and published modifications).

Dr. Peter K. Rogan Lab, Western University
No classification provided (evidence only). Condition: Clear cell carcinoma of kidney. Review status: no classification provided. Collection method: in vitro. Allele origin: not applicable. Functional consequence: retained intron. Not counted in ClinVar's aggregate classification.

Literature cited by the submitters: PubMed 23690449 (cited by Quest Diagnostics Nichols Institute San Juan Capistrano); PubMed 23216583 (cited by Quest Diagnostics Nichols Institute San Juan Capistrano).